The following is an entry in ClinVar:

ClinVar aggregate classification (germline): Likely benign. Review status: criteria provided, multiple submitters, no conflicts (2 of 4 stars). 3 submissions from 3 submitters: Likely benign (3). Last evaluated 2022-07-19.

Conditions:
Loeys-Dietz syndrome 2 (LDS2). Also called: Marfan Syndrome type 2; Marfan like connective tissue disorder; MFS 2; Marfan syndrome, type 2 (formerly); AORTIC ANEURYSM, FAMILIAL THORACIC 3; MARFAN SYNDROME, TYPE II. Identifiers: Orphanet 284973, Orphanet 558, MedGen C2674574, MONDO:0012427, OMIM 610168.

Allele frequency attached by ClinVar (database versions not stated): TOPMed below 0.00001.
gnomAD v4.1: 1 of 1,610,552 alleles (0.000062%); highest among the groups gnomAD compares: Non-Finnish European, 0.000085%; no homozygotes.

Submissions (3):

Labcorp Genetics (formerly Invitae), Labcorp
Classification: Likely benign for Loeys-Dietz syndrome 2. Last evaluated: 2022-07-19. Review status: criteria provided, single submitter. Criteria: Invitae Variant Classification Sherloc (09022015). Collection method: clinical testing. Allele origin: germline.

Ambry Genetics
Classification: Likely benign. Last evaluated: 2021-05-20. Review status: criteria provided, single submitter. Criteria: Ambry Variant Classification Scheme 2023. Collection method: clinical testing. Allele origin: germline.

GeneDx
Classification: Likely benign. Last evaluated: 2017-11-01. Review status: criteria provided, single submitter. Criteria: GeneDx Variant Classification (06012015). Collection method: clinical testing. Allele origin: germline. Affected: yes.
Comment: This variant is considered likely benign or benign based on one or more of the following criteria: it is a conservative change, it occurs at a poorly conserved position in the protein, it is predicted to be benign by multiple in silico algorithms, and/or has population frequency not consistent with disease.

NM_001032283.3(TMPO):c.565+2135A>G

Gene: TMPO (thymopoietin; plus strand). Cytogenetic location: 12q23.1.
Variant type: single nucleotide variant.
Coding change: c.565+2135A>G on transcript NM_001032283.3 (MANE Select); 2135 bases into the intron after coding-DNA position 565, A replaced by G.
Molecular consequence: intron variant. On other transcripts: synonymous variant (1).
Genome position (GRCh38, 1-based): chr12:98,533,973, A>G. VCF-style: chr12-98533973-A-G. GRCh37 (hg19) VCF-style: chr12-98927751-A-G.
Other names: c.1716A>G, p.Ala572= (NM_003276.2); c.565+2135A>G (NM_001307975.2, NM_001032284.3).
Identifiers: ClinVar variation 513062 (VCV000513062.11), dbSNP rs1284474609, ClinGen allele CA481585126.
Genomic context (GRCh38, chr12:98,533,973, plus strand): 5'-TATTCAAGCAGCCTCCACTGAGTCTTGCAATCAGCAGTTGGACTTAGCACTCTGTAGAGC[A>G]TATGAAGCTGCAGCATCAGCATTGCAGATTGCAACTCACACTGCCTTTGTAGCTAAGGCT-3'